The following is an entry in ClinVar:

NM_000127.3(EXT1):c.837dup (p.Arg280fs)

Gene: EXT1 (exostosin glycosyltransferase 1; minus strand). Cytogenetic location: 8q24.11.
Variant type: Duplication.
Coding change: c.837dup on transcript NM_000127.3 (MANE Select); coding-DNA position 837, one base duplicated (C; older notation c.837dupC).
Protein change: p.Arg280fs; shifts the reading frame from arginine 280.
Molecular consequence: frameshift variant.
Genome position (GRCh38, 1-based): chr8:118,110,210, G duplicated on the plus strand (C on the coding strand, the reverse complement: EXT1 is on the minus strand); the first of 2 consecutive G bases (chr8:118,110,210-118,110,211); duplicating either gives the same sequence. VCF-style (leftmost placement, unchanged base first): chr8-118110209-T-TG. GRCh37 (hg19) VCF-style: chr8-119122448-T-TG.
Other names: short protein forms R280fs.
Identifiers: ClinVar variation 1458866 (VCV001458866.8), dbSNP rs2130041540, ClinGen allele CA2573142822.

ClinVar aggregate classification (germline): Pathogenic (1 of 4 stars; one submission).

Conditions:
Multiple congenital exostosis (EXT). Also called: Multiple osteochondromas; MULTIPLE CARTILAGINOUS EXOSTOSES; Hereditary multiple exostoses; Hereditary multiple exostosis; Hereditary multiple osteochondromas; Multiple exostoses. Identifiers: Orphanet 321, MedGen C0015306, MONDO:0005508, HP:0002762.

Submission:

Labcorp Genetics (formerly Invitae), Labcorp
Classification: Pathogenic for Multiple congenital exostosis. Last evaluated: 2021-04-23. Review status: criteria provided, single submitter. Criteria: Invitae Variant Classification Sherloc (09022015). Collection method: clinical testing. Allele origin: germline.
Comment: For these reasons, this variant has been classified as Pathogenic. This variant has been observed in individual(s) with multiple osteochondromas (PMID: 21499719). In at least one individual the variant was observed to be de novo. This variant is not present in population databases (ExAC no frequency). This sequence change creates a premature translational stop signal (p.Arg280Glnfs*9) in the EXT1 gene. It is expected to result in an absent or disrupted protein product. Loss-of-function variants in EXT1 are known to be pathogenic (PMID: 10679937, 11391482, 19810120).

Literature cited by the submitters: PubMed 21499719; PubMed 10679937; PubMed 11391482; PubMed 19810120.